The following is an entry in ClinVar:

NM_022489.4(INF2):c.1010T>A (p.Val337Glu)

Gene: INF2 (inverted formin 2; plus strand). Cytogenetic location: 14q32.33.
Variant type: single nucleotide variant.
Coding change: c.1010T>A on transcript NM_022489.4 (MANE Select); coding-DNA position 1010, T replaced by A.
Protein change: p.Val337Glu; replaces valine 337 with glutamic acid.
Molecular consequence: missense variant.
Genome position (GRCh38, 1-based): chr14:104,707,277, T>A. VCF-style: chr14-104707277-T-A. GRCh37 (hg19) VCF-style: chr14-105173614-T-A.
Other names: c.1010T>A, p.Val337Glu (NM_001426862.1, NM_001426863.1, NM_001426864.1 and 2 more transcripts); short protein forms V337E.
Identifiers: ClinVar variation 2946294 (VCV002946294.3), dbSNP rs2541917238, ClinGen allele CA391215663.

ClinVar aggregate classification (germline): Uncertain significance (1 of 4 stars; one submission).

Conditions:
Charcot-Marie-Tooth disease dominant intermediate E. Also called: CHARCOT-MARIE-TOOTH NEUROPATHY WITH FOCAL SEGMENTAL GLOMERULONEPHRITIS. Identifiers: Orphanet 93114, MedGen C4302667, MONDO:0013758, OMIM 614455.
Focal segmental glomerulosclerosis 5 (FSGS5). Identifiers: Orphanet 656, MedGen C2750475, MONDO:0013191, OMIM 613237.

Submission:

Labcorp Genetics (formerly Invitae), Labcorp
Classification: Uncertain significance for Charcot-Marie-Tooth disease dominant intermediate E; Focal segmental glomerulosclerosis 5. Last evaluated: 2023-04-07. Review status: criteria provided, single submitter. Criteria: Invitae Variant Classification Sherloc (09022015). Collection method: clinical testing. Allele origin: germline.
Comment: This variant has not been reported in the literature in individuals affected with INF2-related conditions. This variant is not present in population databases (gnomAD no frequency). This sequence change replaces valine, which is neutral and non-polar, with glutamic acid, which is acidic and polar, at codon 337 of the INF2 protein (p.Val337Glu). Advanced modeling of protein sequence and biophysical properties (such as structural, functional, and spatial information, amino acid conservation, physicochemical variation, residue mobility, and thermodynamic stability) performed at Invitae indicates that this missense variant is not expected to disrupt INF2 protein function. In summary, the available evidence is currently insufficient to determine the role of this variant in disease. Therefore, it has been classified as a Variant of Uncertain Significance.